The following is an entry in ClinVar:

NM_001330691.3(CEP78):c.157G>T (p.Val53Leu)

Gene: CEP78 (centrosomal protein 78; plus strand). Cytogenetic location: 9q21.2.
Variant type: single nucleotide variant.
Coding change: c.157G>T on transcript NM_001330691.3 (MANE Select); coding-DNA position 157, G replaced by T.
Protein change: p.Val53Leu; replaces valine 53 with leucine.
Molecular consequence: missense variant.
Genome position (GRCh38, 1-based): chr9:78,236,507, G>T. VCF-style: chr9-78236507-G-T. GRCh37 (hg19) VCF-style: chr9-80851423-G-T.
Other names: c.157G>T, p.Val53Leu (NM_001098802.3, NM_001330693.3, NM_001330694.2 and 4 more transcripts); c.157G>T (NM_001098802.1); short protein forms V53L.
Identifiers: ClinVar variation 1015563 (VCV001015563.6), dbSNP rs564286061, ClinGen allele CA5094824.

ClinVar aggregate classification (germline): Uncertain significance. Review status: criteria provided, multiple submitters, no conflicts (2 of 4 stars). 3 submissions from 3 submitters: Uncertain significance (3). Last evaluated 2025-10-23.

Conditions:
CEP78-related disorder. Also called: CEP78-related condition.

Allele frequency attached by ClinVar (database versions not stated): gnomAD below 0.00001 and 0.00001; TOPMed below 0.00001.
gnomAD v4.1: 69 of 1,606,966 alleles (0.0043%); highest among the groups gnomAD compares: South Asian, 0.054%; 1 homozygote.

Submissions (3):

PreventionGenetics, part of Exact Sciences
Classification: Uncertain significance for CEP78-related condition. Last evaluated: 2025-10-23. Review status: criteria provided, single submitter. Criteria: ACMG Guidelines, 2015. Collection method: clinical testing. Allele origin: germline.
Comment: The CEP78 c.157G>T variant is predicted to result in the amino acid substitution p.Val53Leu. To our knowledge, this variant has not been reported in the literature. This variant is reported in 0.048% of alleles in individuals of South Asian descent in gnomAD. At this time, the clinical significance of this variant is uncertain due to the absence of conclusive functional and genetic evidence.

Blueprint Genetics
Classification: Uncertain significance. Last evaluated: 2022-12-01. Review status: criteria provided, single submitter. Criteria: ACMG Guidelines, 2015. Collection method: clinical testing. Allele origin: germline.

Labcorp Genetics (formerly Invitae), Labcorp
Classification: Uncertain significance. Last evaluated: 2022-08-15. Review status: criteria provided, single submitter. Criteria: Invitae Variant Classification Sherloc (09022015). Collection method: clinical testing. Allele origin: germline.
Comment: ClinVar contains an entry for this variant (Variation ID: 1015563). This variant has not been reported in the literature in individuals affected with CEP78-related conditions. This variant is present in population databases (rs564286061, gnomAD 0.05%). This sequence change replaces valine, which is neutral and non-polar, with leucine, which is neutral and non-polar, at codon 53 of the CEP78 protein (p.Val53Leu). Algorithms developed to predict the effect of missense changes on protein structure and function output the following: SIFT: "Tolerated"; PolyPhen-2: "Benign"; Align-GVGD: "Class C0". The leucine amino acid residue is found in multiple mammalian species, which suggests that this missense change does not adversely affect protein function. In summary, the available evidence is currently insufficient to determine the role of this variant in disease. Therefore, it has been classified as a Variant of Uncertain Significance. Algorithms developed to predict the effect of sequence changes on RNA splicing suggest that this variant may create or strengthen a splice site.